The following is an entry in ClinVar:

ClinVar aggregate classification (germline): Likely benign. Review status: criteria provided, single submitter (1 of 4 stars). 2 submissions from 2 submitters: Likely benign (1). 1 of the submissions does not count toward it. Last evaluated 2026-03-19.

Conditions:
H4C3-related disorder. Also called: H4C3-related condition.

gnomAD v4.1: 14 of 1,608,416 alleles (0.00087%); highest among the groups gnomAD compares: Non-Finnish European, 0.0012%; no homozygotes.

Submissions (2):

Women's Health and Genetics/Laboratory Corporation of America, LabCorp
Classification: Likely benign. Last evaluated: 2026-03-19. Review status: criteria provided, single submitter. Criteria: LabCorp Variant Classification Summary - May 2015. Collection method: clinical testing. Allele origin: germline.
Comment: Variant summary: H4C3 c.21C>A alters a conserved nucleotide resulting in a synonymous change. Consensus agreement among computation tools predict no significant impact on normal splicing. However, these predictions have yet to be confirmed by functional studies. The variant allele was found at a frequency of 1.4e-05 in 281612 control chromosomes. The available data on variant occurrences in the general population are insufficient to allow any conclusion about variant significance. To our knowledge, no occurrence of c.21C>A in individuals affected with H4C3-related conditions and no experimental evidence demonstrating its impact on protein function have been reported. ClinVar contains an entry for this variant (Variation ID: 3055006). Based on the evidence outlined above, the variant was classified as likely benign.

PreventionGenetics, part of Exact Sciences
Classification: Likely benign for H4C3-related condition. Last evaluated: 2020-04-14. Review status: no assertion criteria provided. Collection method: clinical testing. Allele origin: germline. Not counted in ClinVar's aggregate classification.
Comment: This variant is classified as likely benign based on ACMG/AMP sequence variant interpretation guidelines (Richards et al. 2015 PMID: 25741868, with internal and published modifications).

NM_003542.4(H4C3):c.21C>A (p.Gly7=)

Gene: H4C3 (H4 clustered histone 3; plus strand). Cytogenetic location: 6p22.2.
Variant type: single nucleotide variant.
Coding change: c.21C>A on transcript NM_003542.4 (MANE Select); coding-DNA position 21, C replaced by A.
Protein change: p.Gly7=; no amino-acid change (glycine 7 retained).
Molecular consequence: synonymous variant.
Genome position (GRCh38, 1-based): chr6:26,103,968, C>A. VCF-style: chr6-26103968-C-A. GRCh37 (hg19) VCF-style: chr6-26104196-C-A.
Identifiers: ClinVar variation 3055006 (VCV003055006.3), dbSNP rs1217453774, ClinGen allele CA449421426.
Genomic context (GRCh38, chr6:26,103,968, plus strand): 5'-GGAACTGTTTCAGTTCATACCTTCCACTGCGATAGGAATCATGTCTGGTCGCGGCAAAGG[C>A]GGAAAAGGCTTGGGGAAGGGTGGTGCTAAGCGCCATCGTAAGGTGCTCCGGGATAACATC-3'
Protein context (NP_003533.1, residues 1-17): MSGRGK[Gly7=]GKGLGKGGAK